The following is an entry in ClinVar:

GRCh37/hg19 11q13.2(chr11:67799161-68393180)x1

Genes: C11orf24 (chromosome 11 open reading frame 24; minus strand), CHKA (choline kinase alpha; minus strand), KMT5B (lysine methyltransferase 5B; minus strand), LRP5 (LDL receptor related protein 5; plus strand), NDUFS8 (NADH:ubiquinone oxidoreductase core subunit S8; plus strand) and 2 more. Cytogenetic location: 11q13.2.
Variant type: copy number loss.
Change: copy number 1 (one copy instead of two) of chr11:67,799,161-68,393,180 (594.0 kb, GRCh37 coordinates, 1-based), cytogenetic band 11q13.2.
Identifiers: ClinVar variation 2685409 (VCV002685409.1).

ClinVar aggregate classification (germline): Pathogenic (1 of 4 stars; one submission).

Submission:

Quest Diagnostics Nichols Institute San Juan Capistrano
Classification: Pathogenic. Last evaluated: 2023-04-17. Review status: criteria provided, single submitter. Criteria: ACMG/ClinGen CNV Guidelines, 2019. Collection method: clinical testing. Allele origin: unknown.
Comment: This deletion overlaps with the proximal side of the recurrent 11q13.2q13.4 deletion region. Haploinsufficiency of KMT5B is associated with autosomal dominant intellectual developmental disorder-51 (OMIM 617788, Chen 2022, Faundes 2018, Eliyahu 2022). Additionally, emerging evidence associates haploinsufficiency of LRP5 with autosomal dominant familial exudative vitreoretinopathy-4 (OMIM 601813, Ellingford 2018, Huang 2017, Luo 2022, Nikopoulos 2010, Salvo 2015, Toomes 2004, Zhao 2022). There are no similar copy number losses of this region in the general populations of the Database of Genomic Variants. Therefore, based on gene content and current medical literature, this copy number variant (CNV) is classified as pathogenic. References: Chen et al., J Genet Genomics. 2022 Sep;49(9):881-890. PMID: 35331928 Eliyahu et al., Front Pediatr. 2022 Mar 30;10:844845. PMID: 35433545 Ellingford et al., J Med Genet. 2018 Feb;55(2):114-121. PMID: 29074561 Faundes et al., Am J Hum Genet. 2018 Jan 4;102(1):175-187. PMID: 29276005 Huang et al., Mol Vis. 2017 Aug 23;23:605-613. PMID: 28867931 Luo et al., Mol Vis. 2021 Nov 20;27:632-642. PMID: 34924743 Nikopoulos et al., Hum Mutat. 2010 Jun;31(6):656-66. PMID: 20340138 Salvo et al., Invest Ophthalmol Vis Sci. 2015 Feb 24;56(3):1937-46. PMID: 25711638 Toomes et al., Am J Hum Genet. 2004 Apr;74(4):721-30. PMID: 15024691 Zhao et al., Clin Exp Ophthalmol. 2022 May;50(4):441-448. PMID: 35133048